The following is an entry in ClinVar:

ClinVar aggregate classification (germline): Uncertain significance (1 of 4 stars; one submission).

Submission:

Labcorp Genetics (formerly Invitae), Labcorp
Classification: Uncertain significance. Last evaluated: 2024-09-08. Review status: criteria provided, single submitter. Criteria: Invitae Variant Classification Sherloc (09022015). Collection method: clinical testing. Allele origin: germline.
Comment: This sequence change replaces arginine, which is basic and polar, with leucine, which is neutral and non-polar, at codon 288 of the EMC1 protein (p.Arg288Leu). This variant is not present in population databases (gnomAD no frequency). This variant has not been reported in the literature in individuals affected with EMC1-related conditions. Invitae Evidence Modeling of protein sequence and biophysical properties (such as structural, functional, and spatial information, amino acid conservation, physicochemical variation, residue mobility, and thermodynamic stability) indicates that this missense variant is not expected to disrupt EMC1 protein function with a negative predictive value of 80%. In summary, the available evidence is currently insufficient to determine the role of this variant in disease. Therefore, it has been classified as a Variant of Uncertain Significance.

NM_015047.3(EMC1):c.863G>T (p.Arg288Leu)

Genes: EMC1 (ER membrane protein complex subunit 1; minus strand), EMC1-AS1 (EMC1 antisense RNA 1; plus strand). Cytogenetic location: 1p36.13.
Variant type: single nucleotide variant.
Coding change: c.863G>T on transcript NM_015047.3 (MANE Select); coding-DNA position 863, G replaced by T.
Protein change: p.Arg288Leu; replaces arginine 288 with leucine.
Molecular consequence: missense variant.
Genome position (GRCh38, 1-based): chr1:19,239,909, C>A on the plus strand (G>T on the coding strand, the complement: EMC1 is on the minus strand). VCF-style: chr1-19239909-C-A. GRCh37 (hg19) VCF-style: chr1-19566403-C-A.
Other names: c.863G>T, p.Arg288Leu (NM_001271427.2, NM_001271428.2, NM_001375820.1 and 1 more transcripts); c.797G>T, p.Arg266Leu (NM_001271429.2); short protein forms R288L, R266L.
Identifiers: ClinVar variation 3666456 (VCV003666456.2).